The following is an entry in ClinVar:

NM_006231.4(POLE):c.4642C>T (p.Pro1548Ser)

Gene: POLE (DNA polymerase epsilon, catalytic subunit; minus strand). Cytogenetic location: 12q24.33.
Variant type: single nucleotide variant.
Coding change: c.4642C>T on transcript NM_006231.4 (MANE Select); coding-DNA position 4642, C replaced by T.
Protein change: p.Pro1548Ser; replaces proline 1548 with serine.
Molecular consequence: missense variant.
Genome position (GRCh38, 1-based): chr12:132,642,906, G>A on the plus strand (C>T on the coding strand, the complement: POLE is on the minus strand). VCF-style: chr12-132642906-G-A. GRCh37 (hg19) VCF-style: chr12-133219492-G-A.
Other names: c.4642C>T (NM_006231.2); short protein forms P1548S.
Identifiers: ClinVar variation 540806 (VCV000540806.12), dbSNP rs1555222725, ClinGen allele CA387379040.
Genomic context (GRCh38, chr12:132,642,906, plus strand): 5'-TGGCTCTGCAGATGGTCTTCAGGTCAGTTTCTGCCCGAACTTCGAAGGTGTGTTTGGGGG[G>A]TGGCAGGAGCTCAGGGCCCACCTTCTCCAGGAGGAGGCCGTGCTCTGCTGAGTACAGGGC-3'
Protein context (NP_006222.2, residues 1538-1558): LEKVGPELLP[Pro1548Ser]PKHTFEVRAE

ClinVar aggregate classification (germline): Uncertain significance. Review status: criteria provided, multiple submitters, no conflicts (2 of 4 stars). 3 submissions from 3 submitters: Uncertain significance (3). Last evaluated 2024-12-22.

Conditions:
Hereditary cancer-predisposing syndrome. Also called: Neoplastic Syndromes, Hereditary; Hereditary Cancer Syndrome; Hereditary neoplastic syndrome; Tumor predisposition. Identifiers: Orphanet 140162, MedGen C0027672, MeSH D009386, MONDO:0015356.

gnomAD v4.1: 2 of 1,613,678 alleles (0.00012%); highest among the groups gnomAD compares: Admixed American, 0.0017%; no homozygotes.

Submissions (3):

Ambry Genetics
Classification: Uncertain significance for Hereditary cancer-predisposing syndrome. Last evaluated: 2024-12-22. Review status: criteria provided, single submitter. Criteria: Ambry Variant Classification Scheme 2023. Collection method: clinical testing. Allele origin: germline.
Comment: The p.P1548S variant (also known as c.4642C>T), located in coding exon 36 of the POLE gene, results from a C to T substitution at nucleotide position 4642. The proline at codon 1548 is replaced by serine, an amino acid with similar properties. This amino acid position is conserved. In addition, this alteration is predicted to be tolerated by in silico analysis. Based on the available evidence, the clinical significance of this variant remains unclear.

Labcorp Genetics (formerly Invitae), Labcorp
Classification: Uncertain significance. Last evaluated: 2024-04-29. Review status: criteria provided, single submitter. Criteria: Invitae Variant Classification Sherloc (09022015). Collection method: clinical testing. Allele origin: germline.
Comment: This sequence change replaces proline, which is neutral and non-polar, with serine, which is neutral and polar, at codon 1548 of the POLE protein (p.Pro1548Ser). This variant is not present in population databases (gnomAD no frequency). This variant has not been reported in the literature in individuals affected with POLE-related conditions. ClinVar contains an entry for this variant (Variation ID: 540806). Advanced modeling of protein sequence and biophysical properties (such as structural, functional, and spatial information, amino acid conservation, physicochemical variation, residue mobility, and thermodynamic stability) performed at Invitae indicates that this missense variant is not expected to disrupt POLE protein function with a negative predictive value of 80%. In summary, the available evidence is currently insufficient to determine the role of this variant in disease. Therefore, it has been classified as a Variant of Uncertain Significance.

Mendelics
Classification: Uncertain significance. Last evaluated: 2022-05-04. Review status: criteria provided, single submitter. Criteria: Mendelics Assertion Criteria 2019. Collection method: clinical testing. Allele origin: germline.